The following is an entry in ClinVar:

GRCh38/hg38 5q31.1-31.2(chr5:135894042-137619032)x1

Genes: CTB-1I21.1 (uncharacterized CTB-1I21.1; plus strand), IL9 (interleukin 9; minus strand), KLHL3 (kelch like family member 3; minus strand), LECT2 (leukocyte cell derived chemotaxin 2; minus strand), SMAD5 (SMAD family member 5; plus strand) and 29 more. Cytogenetic location: 5q31.1-31.2.
Variant type: copy number loss.
Change: copy number 1 (one copy instead of two) of chr5:135,894,042-137,619,032 (1.72 Mb, GRCh38 coordinates, 1-based), cytogenetic band 5q31.1-31.2.
Identifiers: ClinVar variation 58363 (VCV000058363.1).

ClinVar aggregate classification (germline): Pathogenic (1 of 4 stars; one submission).

Submission:

ISCA site 15
Classification: Pathogenic. Last evaluated: 2011-08-12. Review status: criteria provided, single submitter. Criteria: Kaminsky et al. (Genet Med. 2011). Collection method: clinical testing. Allele origin: de novo. Affected: yes. Observed: 1 variant allele.
Comment: Copy number variation identified through the course of routine clinical cytogenomic testing in postnatal populations. Clinical assertions have been curated as described in Kaminsky et al. 2011.